The following is an entry in ClinVar:

NM_006231.4(POLE):c.4280_4281del (p.Val1426_Tyr1427insTer)

Gene: POLE (DNA polymerase epsilon, catalytic subunit; minus strand). Cytogenetic location: 12q24.33.
Variant type: Microsatellite.
Coding change: c.4280_4281del on transcript NM_006231.4 (MANE Select); coding-DNA positions 4280 to 4281, 2 bases deleted (AT; older notation c.4280_4281delAT).
Protein change: p.Val1426_Tyr1427insTer.
Molecular consequence: nonsense.
Genome position (GRCh38, 1-based): chr12:132,643,846-132,643,847, AT deleted on the plus strand (AT on the coding strand, the reverse complement: POLE is on the minus strand); deleting any 2 consecutive bases within chr12:132,643,846-132,643,850 gives the same sequence; the c. name uses the placement nearest the transcript's 3' end. VCF-style (leftmost placement, unchanged base first): chr12-132643845-CAT-C. GRCh37 (hg19) VCF-style: chr12-133220431-CAT-C.
Identifiers: ClinVar variation 1040669 (VCV001040669.8), dbSNP rs2042212599, ClinGen allele CA2072989792.

ClinVar aggregate classification (germline): Pathogenic (1 of 4 stars; one submission).

Submission:

Labcorp Genetics (formerly Invitae), Labcorp
Classification: Pathogenic. Last evaluated: 2022-05-12. Review status: criteria provided, single submitter. Criteria: Invitae Variant Classification Sherloc (09022015). Collection method: clinical testing. Allele origin: germline.
Comment: For these reasons, this variant has been classified as Pathogenic. This variant has not been reported in the literature in individuals affected with POLE-related conditions. This variant is not present in population databases (gnomAD no frequency). This sequence change creates a premature translational stop signal (p.Tyr1427*) in the POLE gene. It is expected to result in an absent or disrupted protein product. Loss-of-function variants in POLE are known to be pathogenic (PMID: 23230001, 25948378, 30503519).

Literature cited by the submitters: PubMed 23230001; PubMed 25948378; PubMed 30503519.